The following is an entry in ClinVar:

NM_021072.4(HCN1):c.1528A>G (p.Lys510Glu)

Gene: HCN1 (hyperpolarization activated cyclic nucleotide gated potassium channel 1; minus strand). Cytogenetic location: 5p12.
Variant type: single nucleotide variant.
Coding change: c.1528A>G on transcript NM_021072.4 (MANE Select); coding-DNA position 1528, A replaced by G.
Protein change: p.Lys510Glu; replaces lysine 510 with glutamic acid.
Molecular consequence: missense variant.
Genome position (GRCh38, 1-based): chr5:45,303,689, T>C on the plus strand (A>G on the coding strand, the complement: HCN1 is on the minus strand). VCF-style: chr5-45303689-T-C. GRCh37 (hg19) VCF-style: chr5-45303791-T-C.
Other names: short protein forms K510E.
Identifiers: ClinVar variation 1900517 (VCV001900517.5), dbSNP rs539896753, ClinGen allele CA359702525.

ClinVar aggregate classification (germline): Uncertain significance (1 of 4 stars; one submission).

Conditions:
Early-infantile DEE. Also called: Ohtahara syndrome; Early infantile epileptic encephalopathy; Early infantile epileptic encephalopathy with suppression bursts. Identifiers: Orphanet 1934, MedGen C0393706, MONDO:0800491.

Submission:

Labcorp Genetics (formerly Invitae), Labcorp
Classification: Uncertain significance for Early-infantile DEE. Last evaluated: 2024-05-29. Review status: criteria provided, single submitter. Criteria: Invitae Variant Classification Sherloc (09022015). Collection method: clinical testing. Allele origin: germline.
Comment: This sequence change replaces lysine, which is basic and polar, with glutamic acid, which is acidic and polar, at codon 510 of the HCN1 protein (p.Lys510Glu). This variant is not present in population databases (gnomAD no frequency). This variant has not been reported in the literature in individuals affected with HCN1-related conditions. ClinVar contains an entry for this variant (Variation ID: 1900517). Advanced modeling of protein sequence and biophysical properties (such as structural, functional, and spatial information, amino acid conservation, physicochemical variation, residue mobility, and thermodynamic stability) performed at Invitae indicates that this missense variant is not expected to disrupt HCN1 protein function with a negative predictive value of 80%. In summary, the available evidence is currently insufficient to determine the role of this variant in disease. Therefore, it has been classified as a Variant of Uncertain Significance.